The following is an entry in ClinVar:

NM_000363.5(TNNI3):c.244C>A (p.Pro82Thr)

Gene: TNNI3 (troponin I3, cardiac type; minus strand). Cytogenetic location: 19q13.42.
Variant type: single nucleotide variant.
Coding change: c.244C>A on transcript NM_000363.5 (MANE Select); coding-DNA position 244, C replaced by A.
Protein change: p.Pro82Thr; replaces proline 82 with threonine.
Molecular consequence: missense variant.
Genome position (GRCh38, 1-based): chr19:55,156,239, G>T on the plus strand (C>A on the coding strand, the complement: TNNI3 is on the minus strand). VCF-style: chr19-55156239-G-T. GRCh37 (hg19) VCF-style: chr19-55667607-G-T.
Other names: short protein forms P82T.
Identifiers: ClinVar variation 4758850 (VCV004758850.1).

ClinVar aggregate classification (germline): Uncertain significance (1 of 4 stars; one submission).

Conditions:
Cardiomyopathy (CMYO). Also called: Cardiomyopathies. Identifiers: Orphanet 167848, MedGen C0878544, MONDO:0004994, HP:0001638. Inheritance: Various modes of inheritance.

gnomAD v4.1: 1 of 1,612,562 alleles (0.000062%); no homozygotes.

Submission:

Color Diagnostics, LLC DBA Color Health
Classification: Uncertain significance for Cardiomyopathy. Last evaluated: 2025-09-10. Review status: criteria provided, single submitter. Criteria: ACMG Guidelines, 2015. Collection method: clinical testing. Allele origin: germline.
Comment: This missense variant replaces proline with threonine at codon 82 of the TNNI3 protein. Computational prediction suggests that this variant may have deleterious impact on protein structure and function. To our knowledge, functional studies have not been reported for this variant. This variant has not been reported in individuals affected with TNNI3-related disorders in the literature. This variant has not been identified in the general population by the Genome Aggregation Database (gnomAD). The available evidence is insufficient to determine the role of this variant in disease conclusively. Therefore, this variant is classified as a Variant of Uncertain Significance.